The following is an entry in ClinVar:

NC_000023.11:g.(?_22111467)_(22114586_?)del

Gene: PHEX (phosphate regulating endopeptidase X-linked; plus strand). Cytogenetic location: Xp22.11.
Variant type: Deletion.
Identifiers: ClinVar variation 831252 (VCV000831252.1).

ClinVar aggregate classification (germline): Pathogenic (1 of 4 stars; one submission).

Submission:

Labcorp Genetics (formerly Invitae), Labcorp
Classification: Pathogenic. Last evaluated: 2019-10-21. Review status: criteria provided, single submitter. Criteria: Invitae Variant Classification Sherloc (09022015). Collection method: clinical testing. Allele origin: germline.
Comment: This variant is an out-of-frame deletion of the genomic region encompassing exons 10-11 of the PHEX gene. This is expected to create a premature translational stop signal and result in an absent or disrupted protein product. A similar deletion of exons 10-11 has been reported in an individual affected with hypophosphatemia (PMID: 9199930). Loss-of-function variants in PHEX are known to be pathogenic (PMID: 9097956, 9106524, 19219621). For these reasons, this variant has been classified as Pathogenic.

Literature cited by the submitters: PubMed 9199930.